The following is an entry in ClinVar:

NM_000540.3(RYR1):c.1658T>A (p.Leu553Gln)

Gene: RYR1 (ryanodine receptor 1; plus strand). Cytogenetic location: 19q13.2.
Variant type: single nucleotide variant.
Coding change: c.1658T>A on transcript NM_000540.3 (MANE Select); coding-DNA position 1658, T replaced by A.
Protein change: p.Leu553Gln; replaces leucine 553 with glutamine.
Molecular consequence: missense variant.
Genome position (GRCh38, 1-based): chr19:38,455,532, T>A. VCF-style: chr19-38455532-T-A. GRCh37 (hg19) VCF-style: chr19-38946172-T-A.
Other names: c.1658T>A, p.Leu553Gln (NM_001042723.2); short protein forms L553Q.
Identifiers: ClinVar variation 4756986 (VCV004756986.1).
Genomic context (GRCh38, chr19:38,455,532, plus strand): 5'-GTAGCAACTGTGCCCTCTTCTCCACAAACTTGGACTGGCTGGTCAGCAAGCTGGATCGGC[T>A]GGAGGCCTCGTCTGGTAGGAGAACCCGGGGGAGTGGGACAGAGGCTTGTGGGAGGGGATG-3'
Protein context (NP_000531.2, residues 543-563): LDWLVSKLDR[Leu553Gln]EASSGILEVL

ClinVar aggregate classification (germline): Uncertain significance (1 of 4 stars; one submission).

Conditions:
Malignant hyperthermia, susceptibility to, 1 (MHS1). Also called: RYR1-Related Malignant Hyperthermia Susceptibility; Malignant hyperthermia suceptibility 1; Anesthesia related hyperthermia; Malignant hyperpyrexia; Fulminating hyperpyrexia; Pharmacogenic myopathy. Identifiers: Orphanet 423, MedGen C2930980, MONDO:0007783, OMIM 145600.

Submission:

Color Diagnostics, LLC DBA Color Health
Classification: Uncertain significance for Malignant hyperthermia, susceptibility to, 1. Last evaluated: 2025-06-17. Review status: criteria provided, single submitter. Criteria: ACMG Guidelines, 2015. Collection method: clinical testing. Allele origin: germline.
Comment: This missense variant replaces leucine with glutamine at codon 553 of the RYR1 protein. Computational prediction suggests that this variant may have deleterious impact on protein structure and function. To our knowledge, functional studies have not been reported for this variant. This variant has not been reported in individuals affected with RYR1-related disorders in the literature. This variant has not been identified in the general population by the Genome Aggregation Database (gnomAD). The available evidence is insufficient to determine the role of this variant in disease conclusively. Therefore, this variant is classified as a Variant of Uncertain Significance.